The following is an entry in ClinVar:

NM_002878.4(RAD51D):c.741G>C (p.Val247=)

Genes: RAD51L3-RFFL (RAD51L3-RFFL readthrough; minus strand), RAD51D (RAD51 paralog D; minus strand). Cytogenetic location: 17q12.
Variant type: single nucleotide variant.
Coding change: c.741G>C on transcript NM_002878.4 (MANE Select); coding-DNA position 741, G replaced by C.
Protein change: p.Val247=; no amino-acid change (valine 247 retained).
Molecular consequence: synonymous variant. On other transcripts: non-coding transcript variant (3).
Genome position (GRCh38, 1-based): chr17:35,101,363, C>G on the plus strand (G>C on the coding strand, the complement: RAD51D is on the minus strand). VCF-style: chr17-35101363-C-G. GRCh37 (hg19) VCF-style: chr17-33428382-C-G.
Other names: c.801G>C, p.Val267= (NM_001142571.2); c.405G>C, p.Val135= (NM_133629.3).
Identifiers: ClinVar variation 920412 (VCV000920412.10), dbSNP rs757986080, ClinGen allele CA499728854.
Genomic context (GRCh38, chr17:35,101,363, plus strand): 5'-GGAGCGTCCGAGGGCAGGTTTGAGCCTCCCGCTGTCCCTGTCTCGAGTTATGTGGTTGGT[C>G]ACCTGCAGCAGAAACAGACTTACAGATCCATAATGCTAGTATAGAGGACATCGATTACTA-3'
Protein context (NP_002869.3, residues 237-257): LARDLGMAVV[Val247=]TNHITRDRDS

ClinVar aggregate classification (germline): Benign/Likely benign. Review status: criteria provided, multiple submitters, no conflicts (2 of 4 stars). 3 submissions from 3 submitters: Benign (1); Likely benign (2). Last evaluated 2025-02-24.

Conditions:
Hereditary cancer-predisposing syndrome. Also called: Neoplastic Syndromes, Hereditary; Tumor predisposition; Hereditary Cancer Syndrome; Hereditary neoplastic syndrome. Identifiers: Orphanet 140162, MedGen C0027672, MeSH D009386, MONDO:0015356.
Breast-ovarian cancer, familial, susceptibility to, 4. Identifiers: Orphanet 145, MedGen C3280345, MONDO:0013669, OMIM 614291.

Submissions (3):

Myriad Genetics, Inc.
Classification: Benign for Breast-ovarian cancer, familial, susceptibility to, 4. Last evaluated: 2025-02-24. Review status: criteria provided, single submitter. Criteria: Myriad Autosomal Dominant, Autosomal Recessive and X-Linked Classification Criteria (2023). Collection method: clinical testing. Allele origin: unknown.
Comment: This variant is considered benign. This variant is a silent/synonymous amino acid change and it is not expected to impact splicing.

Labcorp Genetics (formerly Invitae), Labcorp
Classification: Likely benign for Breast-ovarian cancer, familial, susceptibility to, 4. Last evaluated: 2024-03-05. Review status: criteria provided, single submitter. Criteria: Invitae Variant Classification Sherloc (09022015). Collection method: clinical testing. Allele origin: germline.

Color Diagnostics, LLC DBA Color Health
Classification: Likely benign for Hereditary cancer-predisposing syndrome. Last evaluated: 2018-12-20. Review status: criteria provided, single submitter. Criteria: ACMG Guidelines, 2015. Collection method: clinical testing. Allele origin: germline.